The following is an entry in ClinVar:

ClinVar aggregate classification (germline): Uncertain significance. Review status: criteria provided, multiple submitters, no conflicts (2 of 4 stars). 2 submissions from 2 submitters: Uncertain significance (2). Last evaluated 2025-01-01.

Conditions:
Inborn genetic diseases. Identifiers: MedGen C0950123, MeSH D030342.

Allele frequency attached by ClinVar (database versions not stated): gnomAD exomes below 0.00001; gnomAD 0.00001.

Submissions (2):

Ambry Genetics
Classification: Uncertain significance for Inborn genetic diseases. Last evaluated: 2025-01-01. Review status: criteria provided, single submitter. Criteria: Ambry Variant Classification Scheme 2023. Collection method: clinical testing. Allele origin: germline.

Women's Health and Genetics/Laboratory Corporation of America, LabCorp
Classification: Uncertain significance. Last evaluated: 2024-04-29. Review status: criteria provided, single submitter. Criteria: LabCorp Variant Classification Summary - May 2015. Collection method: clinical testing. Allele origin: germline.
Comment: Variant summary: GP1BA c.1568C>G (p.Pro523Arg) results in a non-conservative amino acid change in the encoded protein sequence. Two of four in-silico tools predict a benign effect of the variant on protein function. The variant allele was found at a frequency of 4e-06 in 248020 control chromosomes. The available data on variant occurrences in the general population are insufficient to allow any conclusion about variant significance. To our knowledge, no occurrence of c.1568C>G in individuals affected with Bernard-Soulier Syndrome, Type A2, Autosomal Dominant and no experimental evidence demonstrating its impact on protein function have been reported. No submitters have cited clinical-significance assessments for this variant to ClinVar. Based on the evidence outlined above, the variant was classified as uncertain significance.

NM_000173.7(GP1BA):c.1568C>G (p.Pro523Arg)

Gene: GP1BA (glycoprotein Ib platelet subunit alpha; plus strand). Cytogenetic location: 17p13.2.
Variant type: single nucleotide variant.
Coding change: c.1568C>G on transcript NM_000173.7 (MANE Select); coding-DNA position 1568, C replaced by G.
Protein change: p.Pro523Arg; replaces proline 523 with arginine.
Molecular consequence: missense variant.
Genome position (GRCh38, 1-based): chr17:4,934,172, C>G. VCF-style: chr17-4934172-C-G. GRCh37 (hg19) VCF-style: chr17-4837467-C-G.
Other names: c.1568C>G (NM_000173.5); short protein forms P523R.
Identifiers: ClinVar variation 3251255 (VCV003251255.2), dbSNP rs1473491385.
Genomic context (GRCh38, chr17:4,934,172, plus strand): 5'-AGCTCCGTGGGGTGCTCCAAGGGCATTTGGAGAGCTCCAGAAATGACCCTTTTCTCCACC[C>G]CGACTTTTGCTGCCTCCTCCCCCTGGGCTTCTATGTCTTGGGTCTCTTCTGGCTGCTCTT-3'
Protein context (NP_000164.5, residues 513-533): ESSRNDPFLH[Pro523Arg]DFCCLLPLGF